The following is an entry in ClinVar:

ClinVar aggregate classification (germline): Benign/Likely benign. Review status: criteria provided, multiple submitters, no conflicts (2 of 4 stars). 7 submissions from 7 submitters: Benign (3); Likely benign (3). 1 of the submissions does not count toward it. Last evaluated 2026-01-18.

Conditions:
EVC2-related disorder. Also called: EVC2-related condition.
Ellis-van Creveld syndrome (EVC). Also called: MESOECTODERMAL DYSPLASIA; Chondroectodermal dysplasia. Identifiers: Orphanet 289, MedGen C0013903, MONDO:0009162, OMIM 225500.
Curry-Hall syndrome (WAD). Also called: WEYERS ACRODENTAL DYSOSTOSIS. Identifiers: Orphanet 952, MedGen C0457013, MONDO:0008673, OMIM 193530.

Allele frequency attached by ClinVar (database versions not stated): gnomAD 0.00009 and 0.00022; ESP Exome Variant Server 0.00015; TOPMed 0.00018; gnomAD exomes 0.00043 and 0.00076; ExAC 0.00088; 1000 Genomes Project 0.00100; 1000 Genomes Project 30x 0.00109.
gnomAD v4.1: 655 of 1,613,998 alleles (0.041%); highest among the groups gnomAD compares: South Asian, 0.49%; 8 homozygotes.

Submissions (7):

Labcorp Genetics (formerly Invitae), Labcorp
Classification: Benign for Curry-Hall syndrome; Ellis-van Creveld syndrome. Last evaluated: 2026-01-18. Review status: criteria provided, single submitter. Criteria: Invitae Variant Classification Sherloc (09022015). Collection method: clinical testing. Allele origin: germline.

Blueprint Genetics
Classification: Likely benign. Last evaluated: 2024-11-19. Review status: criteria provided, single submitter. Criteria: ACMG Guidelines, 2015. Collection method: clinical testing. Allele origin: germline.

CeGaT Center for Human Genetics Tuebingen
Classification: Likely benign. Last evaluated: 2023-11-01. Review status: criteria provided, single submitter. Criteria: CeGaT Center For Human Genetics Tuebingen Variant Classification Criteria Version 2. Collection method: clinical testing. Allele origin: germline. Affected: yes. Observed: 1 variant allele.
Comment: EVC2: BP4, BS2

Fulgent Genetics
Classification: Likely benign for Curry-Hall syndrome; Ellis-van Creveld syndrome. Last evaluated: 2022-04-25. Review status: criteria provided, single submitter. Criteria: ACMG Guidelines, 2015. Collection method: clinical testing. Allele origin: unknown.

Dubai Health Genomic Medicine Center, Dubai Health
Classification: Benign for Ellis-van Creveld syndrome. Last evaluated: 2020-06-25. Review status: criteria provided, single submitter. Criteria: ACMG Guidelines, 2015. Collection method: clinical testing. Allele origin: germline. Affected: yes.

Breakthrough Genomics
Classification: Benign. Review status: criteria provided, single submitter. Criteria: ACMG Guidelines, 2015. Collection method: not provided. Allele origin: germline. Inheritance: Autosomal recessive inheritance. Affected: yes.

PreventionGenetics, part of Exact Sciences
Classification: Likely benign for EVC2-related condition. Last evaluated: 2022-08-22. Review status: no assertion criteria provided. Collection method: clinical testing. Allele origin: germline. Not counted in ClinVar's aggregate classification.
Comment: This variant is classified as likely benign based on ACMG/AMP sequence variant interpretation guidelines (Richards et al. 2015 PMID: 25741868, with internal and published modifications).

NM_147127.5(EVC2):c.2077G>A (p.Val693Ile)

Gene: EVC2 (EvC ciliary complex subunit 2; minus strand). Cytogenetic location: 4p16.2.
Variant type: single nucleotide variant.
Coding change: c.2077G>A on transcript NM_147127.5 (MANE Select); coding-DNA position 2077, G replaced by A.
Protein change: p.Val693Ile; replaces valine 693 with isoleucine.
Molecular consequence: missense variant.
Genome position (GRCh38, 1-based): chr4:5,622,961, C>T on the plus strand (G>A on the coding strand, the complement: EVC2 is on the minus strand). VCF-style: chr4-5622961-C-T. GRCh37 (hg19) VCF-style: chr4-5624688-C-T.
Other names: c.1837G>A, p.Val613Ile (NM_001166136.2); short protein forms V613I, V693I.
Identifiers: ClinVar variation 787716 (VCV000787716.40), dbSNP rs199824658, ClinGen allele CA2834817.